The following is an entry in ClinVar:

ClinVar aggregate classification (germline): Likely pathogenic (1 of 4 stars; one submission).

Conditions:
Cardiovascular phenotype. Identifiers: MedGen CN230736.

Submission:

Ambry Genetics
Classification: Likely pathogenic for Cardiovascular phenotype. Last evaluated: 2025-05-26. Review status: criteria provided, single submitter. Criteria: Ambry Variant Classification Scheme 2023. Collection method: clinical testing. Allele origin: germline.
Comment: The c.63902_63905dupGAAA variant, located in coding exon 162 of the TTN gene, results from a duplication of GAAA at nucleotide position 63902, causing a translational frameshift with a predicted alternate stop codon (p.N21302Kfs*3). This exon is located in the A-band region of the N2-B isoform of the titin protein and is constitutively expressed in TTN transcripts (percent spliced in or PSI 100%). This variant (reported as c.86171_86174dupAAAG, p.Asn28726Lysfs*3) was reported in individual(s) with features consistent with dilated cardiomyopathy (van Spaendonck-Zwarts KY et al. Eur Heart J, 2014 Aug;35:2165-73). This variant is considered to be rare based on population cohorts in the Genome Aggregation Database (gnomAD). This variant is expected to result in loss of function by premature protein truncation or nonsense-mediated mRNA decay. While truncating variants in TTN are present in 1-3% of the general population, truncating variants in the A-band are the most common cause of dilated cardiomyopathy (Herman DS et al. N. Engl. J. Med., 2012 Feb;366:619-28; Roberts AM et al. Sci Transl Med, 2015 Jan;7:270ra6). TTN truncating variants encoded in constitutive exons (PSI >90%) have been found to be significantly associated with DCM regardless of their position in titin (Schafer S et al. Nat. Genet., 2017 01;49:46-53; Akhtar MM et al. Circ Heart Fail, 2020 Oct;13:e006832; Massier M et al. Clin Genet, 2025 Jan). Based on the majority of available evidence to date, this variant is likely to be pathogenic.

Literature cited by the submitters: PubMed 24558114.

NM_001267550.2(TTN):c.91097_91100dup (p.Asn30367fs)

Genes: TTN (titin; minus strand), TTN-AS1 (TTN antisense RNA 1; plus strand). Cytogenetic location: 2q31.2.
Variant type: Microsatellite.
Coding change: c.91097_91100dup on transcript NM_001267550.2 (MANE Select); coding-DNA positions 91097 to 91100, 4 bases duplicated (GAAA; older notation c.91097_91100dupGAAA).
Protein change: p.Asn30367fs; shifts the reading frame from asparagine 30367.
Molecular consequence: frameshift variant.
Genome position (GRCh38, 1-based): chr2:178,551,800-178,551,803, TTTC duplicated on the plus strand (GAAA on the coding strand, the reverse complement: TTN is on the minus strand); duplicating any 4 consecutive bases within chr2:178,551,800-178,551,814 gives the same sequence; the c. name uses the placement nearest the transcript's 3' end. VCF-style (leftmost placement, unchanged base first): chr2-178551799-A-ATTTC. GRCh37 (hg19) VCF-style: chr2-179416526-A-ATTTC.
Other names: c.86174_86177dup, p.Asn28726fs (NM_001256850.1); c.63902_63905dup, p.Asn21302fs (NM_003319.4); c.83393_83396dup, p.Asn27799fs (NM_133378.4); c.64277_64280dup, p.Asn21427fs (NM_133432.3); c.64478_64481dup, p.Asn21494fs (NM_133437.4); c.63902_63905dupGAAA (NM_003319.4); short protein forms N21427fs, N27799fs, N21302fs, N30367fs, N21494fs, N28726fs.
Identifiers: ClinVar variation 3975826 (VCV003975826.1).